The following is an entry in ClinVar:

ClinVar aggregate classification (germline): Uncertain significance (1 of 4 stars; one submission).

Conditions:
Chuvash polycythemia. Also called: POLYCYTHEMIA, VHL-DEPENDENT. Identifiers: Orphanet 238557, MedGen C1837915, MONDO:0009892, OMIM 263400.
Von Hippel-Lindau syndrome (VHLS). Also called: von Hippel–Lindau syndrome; VHL syndrome; Von Hippel-Lindau. Identifiers: Orphanet 892, MedGen C0019562, MONDO:0008667, OMIM 193300. Disease mechanism: loss of function.

Submission:

Labcorp Genetics (formerly Invitae), Labcorp
Classification: Uncertain significance for Von Hippel-Lindau syndrome; Chuvash polycythemia. Last evaluated: 2024-12-20. Review status: criteria provided, single submitter. Criteria: Invitae Variant Classification Sherloc (09022015). Collection method: clinical testing. Allele origin: germline.
Comment: This sequence change falls in intron 1 of the VHL gene. It is not expected to change the encoded amino acid sequence of the VHL protein. However, this sequence change falls within a cryptic exon in the VHL gene, known as exon E1’, which is naturally expressed at low levels in several human tissues (PMID: 29891534). This variant is not present in population databases (gnomAD no frequency). This variant has been observed in individual(s) with pheochromocytoma(s) (PMID: 31996412). ClinVar contains an entry for this variant (Variation ID: 964770). Studies have shown that this variant is associated with inconclusive levels of altered splicing (PMID: 31996412; internal data). In summary, the available evidence is currently insufficient to determine the role of this variant in disease. Therefore, it has been classified as a Variant of Uncertain Significance.

Literature cited by the submitters: PubMed 29891534; PubMed 31996412.

NM_000551.4(VHL):c.340+682T>C

Genes: VHL (von Hippel-Lindau tumor suppressor; plus strand), LOC107303340 (3p25 von Hippel-Lindau tumor suppressor, E3 ubiquitin protein ligase Alu-mediated recombination region; plus strand). Cytogenetic location: 3p25.3.
Variant type: single nucleotide variant.
Coding change: c.340+682T>C on transcript NM_000551.4 (MANE Select); 682 bases into the intron after coding-DNA position 340, T replaced by C.
Molecular consequence: intron variant. On other transcripts: synonymous variant (1).
Genome position (GRCh38, 1-based): chr3:10,142,869, T>C. VCF-style: chr3-10142869-T-C. GRCh37 (hg19) VCF-style: chr3-10184553-T-C.
Other names: c.447T>C, p.His149= (NM_001354723.2); c.340+682T>C (NM_198156.3).
Identifiers: ClinVar variation 964770 (VCV000964770.10), dbSNP rs1696160646, ClinGen allele CA1139655738.